The following is an entry in ClinVar:

NM_000520.6(HEXA):c.471C>A (p.Asn157Lys)

Gene: HEXA (hexosaminidase subunit alpha; minus strand). Cytogenetic location: 15q23.
Variant type: single nucleotide variant.
Coding change: c.471C>A on transcript NM_000520.6 (MANE Select); coding-DNA position 471, C replaced by A.
Protein change: p.Asn157Lys; replaces asparagine 157 with lysine.
Molecular consequence: missense variant. On other transcripts: non-coding transcript variant (1).
Genome position (GRCh38, 1-based): chr15:72,353,167, G>T on the plus strand (C>A on the coding strand, the complement: HEXA is on the minus strand). VCF-style: chr15-72353167-G-T. GRCh37 (hg19) VCF-style: chr15-72645508-G-T.
Other names: c.504C>A, p.Asn168Lys (NM_001318825.2); short protein forms N157K, N168K.
Identifiers: ClinVar variation 1742636 (VCV001742636.2), dbSNP rs2542532794, ClinGen allele CA393065190.
Genomic context (GRCh38, chr15:72,353,167, plus strand): 5'-AGATGTATCCAACAGCAAGCCCCGGTGAGGAAAGCGGGGAAAGTCCTCAATCTCAGTCTT[G>T]TTGATAAAGAACTGTGCAGAACAAACATTGAACATGTCAGTTTCAAAGGAAGCTTACTAT-3'
Protein context (NP_000511.2, residues 147-167): WKSAEGTFFI[Asn157Lys]KTEIEDFPRF

ClinVar aggregate classification (germline): Uncertain significance (1 of 4 stars; one submission).

Conditions:
Inborn genetic diseases. Identifiers: MedGen C0950123, MeSH D030342.

Submission:

Ambry Genetics
Classification: Uncertain significance for Inborn genetic diseases. Last evaluated: 2022-06-06. Review status: criteria provided, single submitter. Criteria: Ambry Variant Classification Scheme 2023. Collection method: clinical testing. Allele origin: germline.
Comment: The p.N157K variant (also known as c.471C>A), located in coding exon 5 of the HEXA gene, results from a C to A substitution at nucleotide position 471. The asparagine at codon 157 is replaced by lysine, an amino acid with similar properties. This amino acid position is conserved. In addition, the in silico prediction for this alteration is inconclusive. Since supporting evidence is limited at this time, the clinical significance of this alteration remains unclear.